The following is an entry in ClinVar:

ClinVar aggregate classification (germline): Uncertain significance. Review status: criteria provided, multiple submitters, no conflicts (2 of 4 stars). 2 submissions from 2 submitters: Uncertain significance (2). Last evaluated 2026-02-03.

Conditions:
Hereditary cancer-predisposing syndrome. Also called: Neoplastic Syndromes, Hereditary; Hereditary Cancer Syndrome; Hereditary neoplastic syndrome; Tumor predisposition. Identifiers: Orphanet 140162, MedGen C0027672, MeSH D009386, MONDO:0015356.

Allele frequency attached by ClinVar (database versions not stated): gnomAD exomes 0.00001.
gnomAD v4.1: 6 of 1,613,556 alleles (0.00037%); highest among the groups gnomAD compares: Non-Finnish European, 0.00051%; no homozygotes.

Submissions (2):

Labcorp Genetics (formerly Invitae), Labcorp
Classification: Uncertain significance. Last evaluated: 2026-02-03. Review status: criteria provided, single submitter. Criteria: Invitae Variant Classification Sherloc (09022015). Collection method: clinical testing. Allele origin: germline.
Comment: This sequence change falls in intron 23 of the POLE gene. It does not directly change the encoded amino acid sequence of the POLE protein. It affects a nucleotide within the consensus splice site. This variant is not present in population databases (gnomAD no frequency). This variant has not been reported in the literature in individuals affected with POLE-related conditions. ClinVar contains an entry for this variant (Variation ID: 540840). Variants that disrupt the consensus splice site are a relatively common cause of aberrant splicing (PMID: 17576681, 9536098). Algorithms developed to predict the effect of sequence changes on RNA splicing suggest that this variant is not likely to affect RNA splicing. In summary, the available evidence is currently insufficient to determine the role of this variant in disease. Therefore, it has been classified as a Variant of Uncertain Significance.

Ambry Genetics
Classification: Uncertain significance for Hereditary cancer-predisposing syndrome. Last evaluated: 2025-01-03. Review status: criteria provided, single submitter. Criteria: Ambry Variant Classification Scheme 2023. Collection method: clinical testing. Allele origin: germline.
Comment: The c.2707-3C>T intronic variant results from a C to T substitution 3 nucleotides upstream from coding exon 24 in the POLE gene. This nucleotide position is not well conserved in available vertebrate species. In silico splice site analysis predicts that this alteration will not have any significant effect on splicing. Based on the available evidence, the clinical significance of this variant remains unclear.

Literature cited by the submitters: PubMed 17576681 (cited by Labcorp Genetics (formerly Invitae), Labcorp); PubMed 9536098 (cited by Labcorp Genetics (formerly Invitae), Labcorp).

NM_006231.4(POLE):c.2707-3C>T

Gene: POLE (DNA polymerase epsilon, catalytic subunit; minus strand). Cytogenetic location: 12q24.33.
Variant type: single nucleotide variant.
Coding change: c.2707-3C>T on transcript NM_006231.4 (MANE Select); 3 bases into the intron before coding-DNA position 2707, C replaced by T.
Molecular consequence: intron variant.
Genome position (GRCh38, 1-based): chr12:132,661,687, G>A on the plus strand (C>T on the coding strand, the complement: POLE is on the minus strand). VCF-style: chr12-132661687-G-A. GRCh37 (hg19) VCF-style: chr12-133238273-G-A.
Other names: c.2707-3C>T (NM_006231.2).
Identifiers: ClinVar variation 540840 (VCV000540840.11), dbSNP rs1555226069, ClinGen allele CA658797986.